The following is an entry in ClinVar:

NM_015450.3(POT1):c.1480A>C (p.Ile494Leu)

Gene: POT1 (protection of telomeres 1; minus strand). Cytogenetic location: 7q31.33.
Variant type: single nucleotide variant.
Coding change: c.1480A>C on transcript NM_015450.3 (MANE Select); coding-DNA position 1480, A replaced by C.
Protein change: p.Ile494Leu; replaces isoleucine 494 with leucine.
Molecular consequence: missense variant. On other transcripts: non-coding transcript variant (3).
Genome position (GRCh38, 1-based): chr7:124,835,304, T>G on the plus strand (A>C on the coding strand, the complement: POT1 is on the minus strand). VCF-style: chr7-124835304-T-G. GRCh37 (hg19) VCF-style: chr7-124475358-T-G.
Other names: c.1087A>C, p.Ile363Leu (NM_001042594.2); short protein forms I363L, I494L.
Identifiers: ClinVar variation 1421260 (VCV001421260.9), dbSNP rs1794871637, ClinGen allele CA369065492.
Genomic context (GRCh38, chr7:124,835,304, plus strand): 5'-AACAAAACAAAACAAAACAAAACAAAACAAAATACCCATAGTGATGTATTGTTCCTTGTA[T>G]AAGAAATGGTGCTGAAAGGTCCAAAAGTTCCAGGTCTTCGTGGCCAGATCTCACAGGAAT-3'
Protein context (NP_056265.2, residues 484-504): ELLDLSAPFL[Ile494Leu]QGTIHHYGCK

ClinVar aggregate classification (germline): Uncertain significance. Review status: criteria provided, multiple submitters, no conflicts (2 of 4 stars). 2 submissions from 2 submitters: Uncertain significance (2). Last evaluated 2024-01-24.

Conditions:
Tumor predisposition syndrome 3 (TPDS3). Also called: LONG TELOMERE SYNDROME, POT1-RELATED; POT1 Tumor Predisposition; Glioma susceptibility 9; Melanoma, cutaneous malignant, susceptibility to, 10. Identifiers: Orphanet 618, MedGen C4014476, MONDO:0014368, OMIM 615848.
Hereditary cancer-predisposing syndrome. Also called: Hereditary Cancer Syndrome; Neoplastic Syndromes, Hereditary; Hereditary neoplastic syndrome; Tumor predisposition. Identifiers: Orphanet 140162, MedGen C0027672, MeSH D009386, MONDO:0015356.

Submissions (2):

Labcorp Genetics (formerly Invitae), Labcorp
Classification: Uncertain significance for Tumor predisposition syndrome 3. Last evaluated: 2024-01-24. Review status: criteria provided, single submitter. Criteria: Invitae Variant Classification Sherloc (09022015). Collection method: clinical testing. Allele origin: germline.
Comment: This sequence change replaces isoleucine, which is neutral and non-polar, with leucine, which is neutral and non-polar, at codon 494 of the POT1 protein (p.Ile494Leu). This variant is not present in population databases (gnomAD no frequency). This variant has not been reported in the literature in individuals affected with POT1-related conditions. ClinVar contains an entry for this variant (Variation ID: 1421260). Advanced modeling of protein sequence and biophysical properties (such as structural, functional, and spatial information, amino acid conservation, physicochemical variation, residue mobility, and thermodynamic stability) performed at Invitae indicates that this missense variant is not expected to disrupt POT1 protein function with a negative predictive value of 80%. In summary, the available evidence is currently insufficient to determine the role of this variant in disease. Therefore, it has been classified as a Variant of Uncertain Significance.

Ambry Genetics
Classification: Uncertain significance for Hereditary cancer-predisposing syndrome. Last evaluated: 2020-04-13. Review status: criteria provided, single submitter. Criteria: Ambry Variant Classification Scheme 2023. Collection method: clinical testing. Allele origin: germline.
Comment: The p.I494L variant (also known as c.1480A>C), located in coding exon 11 of the POT1 gene, results from an A to C substitution at nucleotide position 1480. The isoleucine at codon 494 is replaced by leucine, an amino acid with highly similar properties. This amino acid position is well conserved in available vertebrate species. In addition, this alteration is predicted to be tolerated by in silico analysis. Since supporting evidence is limited at this time, the clinical significance of this alteration remains unclear.